The following is an entry in ClinVar:

ClinVar aggregate classification (germline): Pathogenic (1 of 4 stars; one submission).

Conditions:
Familial thoracic aortic aneurysm and aortic dissection (TAAD). Also called: Thoracic aortic aneurysms and dissections. Identifiers: Orphanet 91387, MedGen C4707243, MONDO:0019625.
Marfan syndrome (MFS). Also called: MARFAN SYNDROME, TYPE I; Marfan syndrome type 1; Marfan's syndrome; Marfan syndrome, classic; FBN1-Related Marfan Syndrome. Identifiers: Orphanet 284963, Orphanet 558, MedGen C0024796, MONDO:0007947, OMIM 154700.

Submission:

Labcorp Genetics (formerly Invitae), Labcorp
Classification: Pathogenic for Marfan syndrome; Familial thoracic aortic aneurysm and aortic dissection. Last evaluated: 2022-05-30. Review status: criteria provided, single submitter. Criteria: Invitae Variant Classification Sherloc (09022015). Collection method: clinical testing. Allele origin: germline.
Comment: For these reasons, this variant has been classified as Pathogenic. Algorithms developed to predict the effect of sequence changes on RNA splicing suggest that this variant may disrupt the consensus splice site. Disruption of this splice site has been observed in individuals with FBN1-related conditions (PMID: 25652356, 27906200). This variant is not present in population databases (gnomAD no frequency). This sequence change affects a donor splice site in intron 12 of the FBN1 gene. It is expected to disrupt RNA splicing. Variants that disrupt the donor or acceptor splice site typically lead to a loss of protein function (PMID: 16199547), and loss-of-function variants in FBN1 are known to be pathogenic (PMID: 17657824, 19293843).

Literature cited by the submitters: PubMed 25652356; PubMed 27906200; PubMed 16199547; PubMed 17657824; PubMed 19293843.

NM_000138.5(FBN1):c.1468+1G>C

Gene: FBN1 (fibrillin 1; minus strand). Cytogenetic location: 15q21.1.
Variant type: single nucleotide variant.
Coding change: c.1468+1G>C on transcript NM_000138.5 (MANE Select); the canonical splice donor site of the intron after coding-DNA position 1468, G replaced by C.
Molecular consequence: splice donor variant.
Genome position (GRCh38, 1-based): chr15:48,515,386, C>G on the plus strand (G>C on the coding strand, the complement: FBN1 is on the minus strand). VCF-style: chr15-48515386-C-G. GRCh37 (hg19) VCF-style: chr15-48807583-C-G.
Other names: c.1468+1G>C (NM_001406716.1).
Identifiers: ClinVar variation 2137708 (VCV002137708.4), dbSNP rs2141329822, ClinGen allele CA392343525.